The following is an entry in ClinVar:

NM_003680.4(YARS1):c.237C>G (p.Tyr79Ter)

Gene: YARS1 (tyrosyl-tRNA synthetase 1; minus strand). Cytogenetic location: 1p35.1.
Variant type: single nucleotide variant.
Coding change: c.237C>G on transcript NM_003680.4 (MANE Select); coding-DNA position 237, C replaced by G.
Protein change: p.Tyr79Ter; replaces tyrosine 79 with a stop codon.
Molecular consequence: nonsense.
Genome position (GRCh38, 1-based): chr1:32,810,734, G>C on the plus strand (C>G on the coding strand, the complement: YARS1 is on the minus strand). VCF-style: chr1-32810734-G-C. GRCh37 (hg19) VCF-style: chr1-33276335-G-C.
Other names: short protein forms Y79*.
Identifiers: ClinVar variation 635008 (VCV000635008.4), dbSNP rs965890133, ClinGen allele CA20294698.

Conditions:
recessive ARS-related multisystem disease.

Allele frequency attached by ClinVar (database versions not stated): gnomAD 0.00001; TOPMed 0.00001.
gnomAD v4.1: 1 of 1,613,992 alleles (0.000062%); highest among the groups gnomAD compares: Non-Finnish European, 0.000085%; no homozygotes.

Submission:

Marseille Medical Genetics, U1251, Aix Marseille University, Inserm
No classification provided (evidence only). Condition: recessive ARS-related multisystem disease. Review status: no classification provided. Collection method: in vitro. Allele origin: not applicable. Inheritance: Autosomal recessive inheritance. Functional consequence: effect on protein abundance.
Comment: "Pathogenic" was previously submitted as the classification for the variant. However, the classification appeared to be based only on an observation of functional data so it was converted to no classification on 2025-07-30.